The following is an entry in ClinVar:

ClinVar aggregate classification (germline): Uncertain significance (1 of 4 stars; one submission).

Conditions:
Combined immunodeficiency due to MALT1 deficiency. Also called: Immunodeficiency 12. Identifiers: Orphanet 397964, MedGen C3809583, MONDO:0014197, OMIM 615468.

Submission:

Labcorp Genetics (formerly Invitae), Labcorp
Classification: Uncertain significance for Combined immunodeficiency due to MALT1 deficiency. Last evaluated: 2021-06-01. Review status: criteria provided, single submitter. Criteria: Invitae Variant Classification Sherloc (09022015). Collection method: clinical testing. Allele origin: germline.
Comment: In summary, the available evidence is currently insufficient to determine the role of this variant in disease. Therefore, it has been classified as a Variant of Uncertain Significance. Experimental studies and prediction algorithms are not available or were not evaluated, and the functional significance of this variant is currently unknown. This variant has not been reported in the literature in individuals with MALT1-related conditions. This variant results in a copy number gain of the genomic region encompassing exon(s) 15-17 of the MALT1 gene. The 5' boundary is likely confined to intron 14. The 3' end of this event is unknown as it extends beyond the assayed region for this gene and therefore may encompass additional genes. As the precise location of this event is unknown, it may be in tandem or it may be located elsewhere in the genome.

NC_000018.9:g.(?_56411550)_(56415074_?)dup

Gene: MALT1 (MALT1 paracaspase; plus strand). Cytogenetic location: 18q21.32.
Variant type: Duplication.
Identifiers: ClinVar variation 1411572 (VCV001411572.4).